The following is an entry in ClinVar:

ClinVar aggregate classification (germline): Uncertain significance (1 of 4 stars; one submission).

Conditions:
PRPH2-related disorder. Also called: PRPH2-related condition; PRPH2-related disorders. Identifiers: MedGen CN239395.

Allele frequency attached by ClinVar (database versions not stated): gnomAD 0.00001.
gnomAD v4.1: 1 of 1,614,060 alleles (0.000062%); highest among the groups gnomAD compares: African/African-American, 0.0013%; no homozygotes.

Submission:

Labcorp Genetics (formerly Invitae), Labcorp
Classification: Uncertain significance for PRPH2-related disorder. Last evaluated: 2022-11-25. Review status: criteria provided, single submitter. Criteria: Invitae Variant Classification Sherloc (09022015). Collection method: clinical testing. Allele origin: germline.
Comment: Advanced modeling of protein sequence and biophysical properties (such as structural, functional, and spatial information, amino acid conservation, physicochemical variation, residue mobility, and thermodynamic stability) has been performed at Invitae for this missense variant, however the output from this modeling did not meet the statistical confidence thresholds required to predict the impact of this variant on PRPH2 protein function. In summary, the available evidence is currently insufficient to determine the role of this variant in disease. Therefore, it has been classified as a Variant of Uncertain Significance. This variant has not been reported in the literature in individuals affected with PRPH2-related conditions. This variant is not present in population databases (gnomAD no frequency). This sequence change replaces glutamine, which is neutral and polar, with arginine, which is basic and polar, at codon 226 of the PRPH2 protein (p.Gln226Arg).

NM_000322.5(PRPH2):c.677A>G (p.Gln226Arg)

Gene: PRPH2 (peripherin 2; minus strand). Cytogenetic location: 6p21.1.
Variant type: single nucleotide variant.
Coding change: c.677A>G on transcript NM_000322.5 (MANE Select); coding-DNA position 677, A replaced by G.
Protein change: p.Gln226Arg; replaces glutamine 226 with arginine.
Molecular consequence: missense variant.
Genome position (GRCh38, 1-based): chr6:42,704,516, T>C on the plus strand (A>G on the coding strand, the complement: PRPH2 is on the minus strand). VCF-style: chr6-42704516-T-C. GRCh37 (hg19) VCF-style: chr6-42672254-T-C.
Other names: short protein forms Q226R.
Identifiers: ClinVar variation 1718630 (VCV001718630.5), dbSNP rs1800113960, ClinGen allele CA364135375.